The following is an entry in ClinVar:

ClinVar aggregate classification (germline): Pathogenic (1 of 4 stars; one submission).

Conditions:
Familial adenomatous polyposis 1 (FAP1). Also called: FAMILIAL ADENOMATOUS POLYPOSIS 1, ATTENUATED; POLYPOSIS, ADENOMATOUS INTESTINAL. Identifiers: MedGen C2713442, MONDO:0021056, OMIM 175100. Disease mechanism: loss of function.

Submission:

Myriad Genetics, Inc.
Classification: Pathogenic for Familial adenomatous polyposis 1. Last evaluated: 2023-05-10. Review status: criteria provided, single submitter. Criteria: Myriad Autosomal Dominant, Autosomal Recessive and X-Linked Classification Criteria (2023). Collection method: clinical testing. Allele origin: unknown.
Comment: This variant is considered pathogenic. This variant creates a frameshift predicted to result in premature protein truncation.

NM_000038.6(APC):c.4057dup (p.Glu1353fs)

Gene: APC (APC regulator of Wnt signaling pathway; plus strand). Cytogenetic location: 5q22.2.
Variant type: Duplication.
Coding change: c.4057dup on transcript NM_000038.6 (MANE Select); coding-DNA position 4057, one base duplicated (G; older notation c.4057dupG).
Protein change: p.Glu1353fs; shifts the reading frame from glutamic acid 1353.
Molecular consequence: frameshift variant. On other transcripts: non-coding transcript variant (2).
Genome position (GRCh38, 1-based): chr5:112,839,651, G duplicated. VCF-style (leftmost placement, unchanged base first): chr5-112839650-T-TG. GRCh37 (hg19) VCF-style: chr5-112175347-T-TG.
Other names: c.4057dup, p.Glu1353fs (NM_001127510.3, NM_001354895.2, NM_001407450.1); c.4003dup, p.Glu1335fs (NM_001127511.3); c.4111dup, p.Glu1371fs (NM_001354896.2, NM_001407447.1, NM_001407448.1 and 1 more transcripts); c.4087dup, p.Glu1363fs (NM_001354897.2); c.3982dup, p.Glu1328fs (NM_001354898.2); c.3973dup, p.Glu1325fs (NM_001354899.2); c.3934dup, p.Glu1312fs (NM_001354900.2); c.3880dup, p.Glu1294fs (NM_001354901.2, NM_001407453.1); and 11 more; short protein forms E1070fs, E1193fs, E1224fs, E1227fs, E1252fs, E1262fs, E1270fs, E1294fs.
Identifiers: ClinVar variation 2584155 (VCV002584155.2), dbSNP rs2533545079, ClinGen allele CA2582341550.